The following is an entry in ClinVar:

ClinVar aggregate classification (germline): Uncertain significance (1 of 4 stars; one submission).

Conditions:
Cardiovascular phenotype. Identifiers: MedGen CN230736.

gnomAD v4.1: 2 of 1,604,980 alleles (0.00012%); highest among the groups gnomAD compares: Non-Finnish European, 0.00017%; no homozygotes.

Submission:

Ambry Genetics
Classification: Uncertain significance for Cardiovascular phenotype. Last evaluated: 2026-07-28. Review status: criteria provided, single submitter. Criteria: Ambry Variant Classification Scheme 2023. Collection method: clinical testing. Allele origin: germline.
Comment: The p.G41V variant (also known as c.122G>T), located in coding exon 1 of the DES gene, results from a G to T substitution at nucleotide position 122. The glycine at codon 41 is replaced by valine, an amino acid with dissimilar properties. This amino acid position is conserved. In addition, this alteration is predicted to be deleterious by in silico analysis. Based on the available evidence, the clinical significance of this variant remains unclear.

NM_001927.4(DES):c.122G>T (p.Gly41Val)

Gene: DES (desmin; plus strand). Cytogenetic location: 2q35.
Variant type: single nucleotide variant.
Coding change: c.122G>T on transcript NM_001927.4 (MANE Select); coding-DNA position 122, G replaced by T.
Protein change: p.Gly41Val; replaces glycine 41 with valine.
Molecular consequence: missense variant.
Genome position (GRCh38, 1-based): chr2:219,418,584, G>T. VCF-style: chr2-219418584-G-T. GRCh37 (hg19) VCF-style: chr2-220283306-G-T.
Other names: c.122G>T, p.Gly41Val (NM_001382708.1, NM_001382709.1, NM_001382710.1 and 3 more transcripts); short protein forms G41V.
Identifiers: ClinVar variation 5035200 (VCV005035200.1).